The following is an entry in ClinVar:

ClinVar aggregate classification (germline): Uncertain significance (1 of 4 stars; one submission).

Conditions:
Hereditary cancer-predisposing syndrome. Also called: Tumor predisposition; Neoplastic Syndromes, Hereditary; Hereditary neoplastic syndrome; Hereditary Cancer Syndrome. Identifiers: Orphanet 140162, MedGen C0027672, MeSH D009386, MONDO:0015356.

Submission:

Ambry Genetics
Classification: Uncertain significance for Hereditary cancer-predisposing syndrome. Last evaluated: 2025-08-27. Review status: criteria provided, single submitter. Criteria: Ambry Variant Classification Scheme 2023. Collection method: clinical testing. Allele origin: germline.
Comment: The p.P344A variant (also known as c.1030C>G), located in coding exon 12 of the MUTYH gene, results from a C to G substitution at nucleotide position 1030. The proline at codon 344 is replaced by alanine, an amino acid with highly similar properties. This amino acid position is conserved. In addition, this alteration is predicted to be tolerated by in silico analysis. Based on the available evidence, the clinical significance of this variant remains unclear.

NM_001048174.2(MUTYH):c.946C>G (p.Pro316Ala)

Gene: MUTYH (mutY DNA glycosylase; minus strand). Cytogenetic location: 1p34.1.
Variant type: single nucleotide variant.
Coding change: c.946C>G on transcript NM_001048174.2 (MANE Select); coding-DNA position 946, C replaced by G.
Protein change: p.Pro316Ala; replaces proline 316 with alanine.
Molecular consequence: missense variant. On other transcripts: non-coding transcript variant (7).
Genome position (GRCh38, 1-based): chr1:45,331,817, G>C on the plus strand (C>G on the coding strand, the complement: MUTYH is on the minus strand). VCF-style: chr1-45331817-G-C. GRCh37 (hg19) VCF-style: chr1-45797489-G-C.
Other names: c.979C>G, p.Pro327Ala (NM_001293191.2, NM_001407069.1, NM_001407077.1); c.670C>G, p.Pro224Ala (NM_001293192.2, NM_001293196.2, NM_001407091.1); c.946C>G, p.Pro316Ala (NM_001293195.2, NM_001407070.1, NM_001407088.1 and 6 more transcripts); c.601C>G, p.Pro201Ala (NM_001350650.2, NM_001350651.2, NM_001407082.1); c.949C>G, p.Pro317Ala (NM_001407071.1, NM_001407086.1, NM_001048172.2 and 1 more transcripts); c.988C>G, p.Pro330Ala (NM_001407085.1, NM_001407083.1); c.967C>G, p.Pro323Ala (NM_001407087.1); c.1021C>G, p.Pro341Ala (NM_012222.3); and 5 more; short protein forms P201A, P224A, P288A, P303A, P317A, P327A, P330A, P331A.
Identifiers: ClinVar variation 4112942 (VCV004112942.1).